The following is an entry in ClinVar:

ClinVar aggregate classification (germline): Uncertain significance. Review status: criteria provided, multiple submitters, no conflicts (2 of 4 stars). 2 submissions from 2 submitters: Uncertain significance (2). Last evaluated 2024-01-04.

Conditions:
Vitamin K-dependent clotting factors, combined deficiency of, type 1. Also called: FACTORS II, VII, IX, AND X, COMBINED DEFICIENCY OF; FAMILIAL MULTIPLE COAGULATION FACTOR DEFICIENCY III; FMFD III; GLUTAMIC ACID, DEFICIENT GAMMA-CARBOXYLATION OF; MULTIPLE COAGULATION FACTOR DEFICIENCY III; VITAMIN K-DEPENDENT COAGULATION DEFECT. Identifiers: Orphanet 98434, MedGen C1848534, MONDO:0010187, OMIM 277450.

Allele frequency attached by ClinVar (database versions not stated): ExAC 0.00007; gnomAD 0.00012 and 0.00013; gnomAD exomes 0.00014; ESP Exome Variant Server 0.00015; TOPMed 0.00019.
gnomAD v4.1: 112 of 1,613,316 alleles (0.0069%); highest among the groups gnomAD compares: Admixed American, 0.053%; no homozygotes.

Submissions (2):

Labcorp Genetics (formerly Invitae), Labcorp
Classification: Uncertain significance. Last evaluated: 2024-01-04. Review status: criteria provided, single submitter. Criteria: Invitae Variant Classification Sherloc (09022015). Collection method: clinical testing. Allele origin: germline.
Comment: This sequence change replaces aspartic acid, which is acidic and polar, with histidine, which is basic and polar, at codon 752 of the GGCX protein (p.Asp752His). This variant is present in population databases (rs201917261, gnomAD 0.2%). This variant has not been reported in the literature in individuals affected with GGCX-related conditions. ClinVar contains an entry for this variant (Variation ID: 899164). Algorithms developed to predict the effect of missense changes on protein structure and function output the following: SIFT: "Not Available"; PolyPhen-2: "Benign"; Align-GVGD: "Not Available". The histidine amino acid residue is found in multiple mammalian species, which suggests that this missense change does not adversely affect protein function. In summary, the available evidence is currently insufficient to determine the role of this variant in disease. Therefore, it has been classified as a Variant of Uncertain Significance.

Illumina Laboratory Services, Illumina
Classification: Uncertain significance for Vitamin K-dependent clotting factors, combined deficiency of, type 1. Last evaluated: 2018-01-13. Review status: criteria provided, single submitter. Criteria: ICSL Variant Classification Criteria 13 December 2019. Collection method: clinical testing. Allele origin: germline.

NM_000821.7(GGCX):c.2254G>C (p.Asp752His)

Gene: GGCX (gamma-glutamyl carboxylase; minus strand). Cytogenetic location: 2p11.2.
Variant type: single nucleotide variant.
Coding change: c.2254G>C on transcript NM_000821.7 (MANE Select); coding-DNA position 2254, G replaced by C.
Protein change: p.Asp752His; replaces aspartic acid 752 with histidine.
Molecular consequence: missense variant.
Genome position (GRCh38, 1-based): chr2:85,549,957, C>G on the plus strand (G>C on the coding strand, the complement: GGCX is on the minus strand). VCF-style: chr2-85549957-C-G. GRCh37 (hg19) VCF-style: chr2-85777080-C-G.
Other names: c.2083G>C, p.Asp695His (NM_001142269.4); short protein forms D695H, D752H.
Identifiers: ClinVar variation 899164 (VCV000899164.7), dbSNP rs201917261, ClinGen allele CA1741595.
Genomic context (GRCh38, chr2:85,549,957, plus strand): 5'-GGCTGCTTCTACATCTGCACCCAACATCTGGCCCCCTTCAGAACTCTGAGTGGACAGGAT[C>G]AGGATTTGACTCAGGAGGATTAGAATGTGAAGAATCCGTGTTTGAGGGATTCAGTTCTCC-3'
Protein context (NP_000812.2, residues 742-758): SHSNPPESNP[Asp752His]PVHSEF